The following is an entry in ClinVar:

NM_000360.4(TH):c.711del (p.Thr238fs)

Gene: TH (tyrosine hydroxylase; minus strand). Cytogenetic location: 11p15.5.
Variant type: Deletion.
Coding change: c.711del on transcript NM_000360.4 (MANE Select); coding-DNA position 711, one base deleted (C; older notation c.711delC).
Protein change: p.Thr238fs; shifts the reading frame from threonine 238.
Molecular consequence: frameshift variant.
Genome position (GRCh38, 1-based): chr11:2,167,017, G deleted on the plus strand (C on the coding strand, the reverse complement: TH is on the minus strand); the first of 2 consecutive G bases (chr11:2,167,017-2,167,018); deleting either gives the same sequence. VCF-style (leftmost placement, unchanged base first): chr11-2167016-TG-T. GRCh37 (hg19) VCF-style: chr11-2188246-TG-T.
Other names: c.804del, p.Thr269fs (NM_199292.3); c.792del, p.Thr265fs (NM_199293.3); c.804del (NM_199292.2); short protein forms T238fs, T265fs, T269fs.
Identifiers: ClinVar variation 2835823 (VCV002835823.4), dbSNP rs2495806867, ClinGen allele CA2611965068.

ClinVar aggregate classification (germline): Pathogenic/Likely pathogenic. Review status: criteria provided, multiple submitters, no conflicts (2 of 4 stars). 2 submissions from 2 submitters: Pathogenic (1); Likely pathogenic (1). Last evaluated 2024-11-04.

Conditions:
TH-deficient dopa-responsive dystonia. Also called: Tyrosine Hydroxylase-Deficient Dopa-Responsive Dystonia; Segawa syndrome, autosomal recessive; DYT-TH. Identifiers: Orphanet 101150, MedGen C2673535, MONDO:0011551, OMIM 605407.

Submissions (2):

Labcorp Genetics (formerly Invitae), Labcorp
Classification: Pathogenic for TH-deficient dopa-responsive dystonia. Last evaluated: 2024-11-04. Review status: criteria provided, single submitter. Criteria: Invitae Variant Classification Sherloc (09022015). Collection method: clinical testing. Allele origin: germline.
Comment: This sequence change creates a premature translational stop signal (p.Thr269Argfs*2) in the TH gene. It is expected to result in an absent or disrupted protein product. Loss-of-function variants in TH are known to be pathogenic (PMID: 22264700, 24753243). This variant is not present in population databases (gnomAD no frequency). This variant has not been reported in the literature in individuals affected with TH-related conditions. ClinVar contains an entry for this variant (Variation ID: 2835823). For these reasons, this variant has been classified as Pathogenic.

Baylor Genetics
Classification: Likely pathogenic for TH-deficient dopa-responsive dystonia. Last evaluated: 2024-02-19. Review status: criteria provided, single submitter. Criteria: ACMG Guidelines, 2015. Collection method: clinical testing. Allele origin: unknown.

Literature cited by the submitters: PubMed 22264700 (cited by Labcorp Genetics (formerly Invitae), Labcorp); PubMed 24753243 (cited by Labcorp Genetics (formerly Invitae), Labcorp).